The following is an entry in ClinVar:

ClinVar aggregate classification (germline): Pathogenic/Likely pathogenic. Review status: no assertion criteria provided (0 of 4 stars). 2 submissions from 2 submitters: Pathogenic (1); Likely pathogenic (1). Last evaluated 2022-06-01.

Conditions:
Spinal muscular atrophy with congenital bone fractures 1 (SMABF1). Also called: SMA1 with congenital bone fractures. Identifiers: MedGen C4225177, MONDO:0014806, OMIM 616866.

Allele frequency attached by ClinVar (database versions not stated): gnomAD 0.00001; gnomAD exomes 0.00001; TOPMed 0.00001.
gnomAD v4.1: 13 of 1,613,878 alleles (0.00081%); highest among the groups gnomAD compares: Admixed American, 0.0067%; no homozygotes.

Submissions (2):

Solve-RD Consortium
Classification: Likely pathogenic for Spinal muscular atrophy with congenital bone fractures 1. Last evaluated: 2022-06-01. Review status: no assertion criteria provided. Collection method: provider interpretation. Allele origin: inherited. Affected: yes.
Comment: Variant confirmed as disease-causing by referring clinical team

Variant identified during reanalysis of unsolved cases by the Solve-RD project. The Solve-RD project has received funding from the European Union’s Horizon 2020 research and innovation programme under grant agreement No 779257.

OMIM
Classification: Pathogenic for SPINAL MUSCULAR ATROPHY WITH CONGENITAL BONE FRACTURES 1. Last evaluated: 2016-08-10. Review status: no assertion criteria provided. Collection method: literature only. Allele origin: germline.

Literature cited by the submitters: PubMed 39825153 (cited by Solve-RD Consortium); PubMed 26924529 (cited by OMIM).

NM_016213.5(TRIP4):c.760C>T (p.Arg254Ter)

Gene: TRIP4 (thyroid hormone receptor interactor 4; plus strand). Cytogenetic location: 15q22.31.
Variant type: single nucleotide variant.
Coding change: c.760C>T on transcript NM_016213.5 (MANE Select); coding-DNA position 760, C replaced by T.
Protein change: p.Arg254Ter; replaces arginine 254 with a stop codon.
Molecular consequence: nonsense. On other transcripts: non-coding transcript variant (1).
Genome position (GRCh38, 1-based): chr15:64,406,392, C>T. VCF-style: chr15-64406392-C-T. GRCh37 (hg19) VCF-style: chr15-64698591-C-T.
Other names: c.70C>T, p.Arg24Ter (NM_001321924.2); short protein forms R254*, R24*.
Identifiers: ClinVar variation 224631 (VCV000224631.3), dbSNP rs869312827, ClinGen allele CA353695.